The following is an entry in ClinVar:

NM_001267550.2(TTN):c.90118A>G (p.Lys30040Glu)

Genes: TTN (titin; minus strand), TTN-AS1 (TTN antisense RNA 1; plus strand). Cytogenetic location: 2q31.2.
Variant type: single nucleotide variant.
Coding change: c.90118A>G on transcript NM_001267550.2 (MANE Select); coding-DNA position 90118, A replaced by G.
Protein change: p.Lys30040Glu; replaces lysine 30040 with glutamic acid.
Molecular consequence: missense variant.
Genome position (GRCh38, 1-based): chr2:178,552,782, T>C on the plus strand (A>G on the coding strand, the complement: TTN is on the minus strand). VCF-style: chr2-178552782-T-C. GRCh37 (hg19) VCF-style: chr2-179417509-T-C.
Other names: c.85195A>G, p.Lys28399Glu (NM_001256850.1); c.62923A>G, p.Lys20975Glu (NM_003319.4); c.82414A>G, p.Lys27472Glu (NM_133378.4); c.63298A>G, p.Lys21100Glu (NM_133432.3); c.63499A>G, p.Lys21167Glu (NM_133437.4); short protein forms K21167E, K30040E, K20975E, K27472E, K28399E, K21100E.
Identifiers: ClinVar variation 4526132 (VCV004526132.1).

ClinVar aggregate classification (germline): Uncertain significance (1 of 4 stars; one submission).

gnomAD v4.1: 17 of 1,613,908 alleles (0.0011%); highest among the groups gnomAD compares: Non-Finnish European, 0.0014%; no homozygotes.

Submission:

Women's Health and Genetics/Laboratory Corporation of America, LabCorp
Classification: Uncertain significance. Last evaluated: 2025-07-29. Review status: criteria provided, single submitter. Criteria: LabCorp Variant Classification Summary - May 2015. Collection method: clinical testing. Allele origin: germline.
Comment: Variant summary: TTN c.82414A>G (p.Lys27472Glu) results in a conservative amino acid change in the encoded protein sequence. Algorithms developed to predict the effect of missense changes on protein structure and function are either unavailable or do not agree on the potential impact of this missense change. The variant allele was found at a frequency of 1.2e-05 in 248914 control chromosomes. The available data on variant occurrences in the general population are insufficient to allow any conclusion about variant significance. To our knowledge, no occurrence of c.82414A>G in individuals affected with Autosomal Recessive Titinopathy and no experimental evidence demonstrating its impact on protein function have been reported. No submitters have cited clinical-significance assessments for this variant to ClinVar. Based on the evidence outlined above, the variant was classified as uncertain significance.